The following is an entry in ClinVar:

ClinVar aggregate classification (germline): Pathogenic (1 of 4 stars; one submission).

Submission:

Labcorp Genetics (formerly Invitae), Labcorp
Classification: Pathogenic. Last evaluated: 2021-04-17. Review status: criteria provided, single submitter. Criteria: Invitae Variant Classification Sherloc (09022015). Collection method: clinical testing. Allele origin: germline.
Comment: For these reasons, this variant has been classified as Pathogenic. This variant has not been reported in the literature in individuals with NDUFS6-related conditions. This variant is a gross deletion of the genomic region encompassing exon(s) 1-3 of the NDUFS6 gene, which includes the initiator codon. The 5' end of this event is unknown as it extends beyond the assayed region for this gene and therefore may encompass additional genes. The 3' boundary is likely confined to intron 3 of the NDUFS6 gene. It is expected to result in an absent or disrupted protein product. Loss-of-function variants in NDUFS6 are known to be pathogenic (PMID: 15372108).

Literature cited by the submitters: PubMed 15372108.

NC_000005.9:g.(?_1801522)_(1814585_?)del

Gene: NDUFS6 (NADH:ubiquinone oxidoreductase subunit S6; plus strand). Cytogenetic location: 5p15.33.
Variant type: Deletion.
Identifiers: ClinVar variation 1460350 (VCV001460350.4).